The following is an entry in ClinVar:

ClinVar aggregate classification (germline): Uncertain significance (1 of 4 stars; one submission).

Conditions:
Fibrochondrogenesis 1 (FBCG1). Identifiers: Orphanet 2021, MedGen C3278138, MONDO:0009226, OMIM 228520.

gnomAD v4.1: 2 of 1,613,842 alleles (0.00012%); highest among the groups gnomAD compares: East Asian, 0.0045%; no homozygotes.

Submission:

3billion
Classification: Uncertain significance for Fibrochondrogenesis 1. Last evaluated: 2021-10-25. Review status: criteria provided, single submitter. Criteria: ACMG Guidelines, 2015. Collection method: clinical testing. Allele origin: unknown. Affected: yes. Observed: 1 heterozygote.
Comment: The variant is observed at an extremely low frequency in the gnomAD v2.1.1 dataset (total allele frequency: 0.000008, PM2). In silico tool predictions suggest damaging effect of the variant on gene or gene product (REVEL:0.649, PP3). Therefore, this variant is classified as uncertain significance according to the recommendation of ACMG/AMP guideline.

NM_001854.4(COL11A1):c.3442C>G (p.Pro1148Ala)

Gene: COL11A1 (collagen type XI alpha 1 chain; minus strand). Cytogenetic location: 1p21.1.
Variant type: single nucleotide variant.
Coding change: c.3442C>G on transcript NM_001854.4 (MANE Select); coding-DNA position 3442, C replaced by G.
Protein change: p.Pro1148Ala; replaces proline 1148 with alanine.
Molecular consequence: missense variant. On other transcripts: non-coding transcript variant (1).
Genome position (GRCh38, 1-based): chr1:102,935,110, G>C on the plus strand (C>G on the coding strand, the complement: COL11A1 is on the minus strand). VCF-style: chr1-102935110-G-C. GRCh37 (hg19) VCF-style: chr1-103400666-G-C.
Other names: c.3325C>G, p.Pro1109Ala (NM_001190709.2); c.3478C>G, p.Pro1160Ala (NM_080629.3); c.3094C>G, p.Pro1032Ala (NM_080630.4); short protein forms P1032A, P1109A, P1148A, P1160A.
Identifiers: ClinVar variation 1321275 (VCV001321275.1), dbSNP rs764581778, ClinGen allele CA341168265.